The following is an entry in ClinVar:

NM_001113378.2(FANCI):c.3147G>T (p.Leu1049Phe)

Gene: FANCI (FA complementation group I; plus strand). Cytogenetic location: 15q26.1.
Variant type: single nucleotide variant.
Coding change: c.3147G>T on transcript NM_001113378.2 (MANE Select); coding-DNA position 3147, G replaced by T.
Protein change: p.Leu1049Phe; replaces leucine 1049 with phenylalanine.
Molecular consequence: missense variant.
Genome position (GRCh38, 1-based): chr15:89,305,203, G>T. VCF-style: chr15-89305203-G-T. GRCh37 (hg19) VCF-style: chr15-89848434-G-T.
Other names: c.2868G>T, p.Leu956Phe (NM_001376910.1); c.3147G>T, p.Leu1049Phe (NM_001376911.1); c.2967G>T, p.Leu989Phe (NM_018193.3); short protein forms L1049F, L956F, L989F.
Identifiers: ClinVar variation 1714951 (VCV001714951.5), dbSNP rs2508408780, ClinGen allele CA393739384.

ClinVar aggregate classification (germline): Uncertain significance (1 of 4 stars; one submission).

Conditions:
Fanconi anemia (FA). Also called: Fanconi's anemia. Identifiers: Orphanet 84, MedGen C0015625, MeSH D005199, MONDO:0019391.

Submission:

Labcorp Genetics (formerly Invitae), Labcorp
Classification: Uncertain significance for Fanconi anemia. Last evaluated: 2022-08-03. Review status: criteria provided, single submitter. Criteria: Invitae Variant Classification Sherloc (09022015). Collection method: clinical testing. Allele origin: germline.
Comment: In summary, the available evidence is currently insufficient to determine the role of this variant in disease. Therefore, it has been classified as a Variant of Uncertain Significance. Algorithms developed to predict the effect of missense changes on protein structure and function are either unavailable or do not agree on the potential impact of this missense change (SIFT: "Deleterious"; PolyPhen-2: "Benign"; Align-GVGD: "Class C0"). This variant has not been reported in the literature in individuals affected with FANCI-related conditions. This variant is not present in population databases (gnomAD no frequency). This sequence change replaces leucine, which is neutral and non-polar, with phenylalanine, which is neutral and non-polar, at codon 1049 of the FANCI protein (p.Leu1049Phe).